The following is an entry in ClinVar:

ClinVar aggregate classification (germline): Uncertain significance (1 of 4 stars; one submission).

Conditions:
Developmental and epileptic encephalopathy, 69. Also called: EPILEPTIC ENCEPHALOPATHY, EARLY INFANTILE, 69. Identifiers: MedGen C4748988, MONDO:0032657, OMIM 618285.

Submission:

MVZ Medizinische Genetik Mainz
Classification: Uncertain significance for Developmental and epileptic encephalopathy, 69. Last evaluated: 2024-06-07. Review status: criteria provided, single submitter. Criteria: UK Practice Guidelines For Variant Classification V4 01 2020. Collection method: clinical testing. Allele origin: germline. Inheritance: Autosomal dominant inheritance. Affected: yes. Observed: 1 variant allele.
Comment: ACMG Criteria: PP3_MOD,PM2_SUP,PP2

NM_001205293.3(CACNA1E):c.4081G>T (p.Ala1361Ser)

Gene: CACNA1E (calcium voltage-gated channel subunit alpha1 E; plus strand). Cytogenetic location: 1q25.3.
Variant type: single nucleotide variant.
Coding change: c.4081G>T on transcript NM_001205293.3 (MANE Select); coding-DNA position 4081, G replaced by T.
Protein change: p.Ala1361Ser; replaces alanine 1361 with serine.
Molecular consequence: missense variant.
Genome position (GRCh38, 1-based): chr1:181,756,047, G>T. VCF-style: chr1-181756047-G-T. GRCh37 (hg19) VCF-style: chr1-181725183-G-T.
Other names: c.4081G>T, p.Ala1361Ser (NM_000721.4); c.4024G>T, p.Ala1342Ser (NM_001205294.2); short protein forms A1342S, A1361S.
Identifiers: ClinVar variation 3256700 (VCV003256700.1).
Genomic context (GRCh38, chr1:181,756,047, plus strand): 5'-ATGGAGGTGAAGGGCCGGGAATGGAAGCGCCATGAATTCCACTACGACAACATTATCTGG[G>T]CCCTGCTGACCCTCTTCACCGTCTCCACAGGGGAAGGATGGCCTCAGTGAGTGATTGAGT-3'
Protein context (NP_001192222.1, residues 1351-1371): HEFHYDNIIW[Ala1361Ser]LLTLFTVSTG